The following is an entry in ClinVar:

ClinVar aggregate classification (germline): Uncertain significance. Review status: criteria provided, multiple submitters, no conflicts (2 of 4 stars). 5 submissions from 5 submitters: Uncertain significance (4). 1 of the submissions does not count toward it. Last evaluated 2024-07-08.

Conditions:
Multiple endocrine neoplasia, type 2 (MEN2). Identifiers: Orphanet 653, MedGen C4048306, MONDO:0019003. Disease mechanism: gain of function.
Hereditary cancer-predisposing syndrome. Also called: Tumor predisposition; Hereditary Cancer Syndrome; Hereditary neoplastic syndrome; Neoplastic Syndromes, Hereditary. Identifiers: Orphanet 140162, MedGen C0027672, MeSH D009386, MONDO:0015356.
RET-related disorder. Also called: RET-related condition; RET-related disease; RET-related disorders.
Hirschsprung disease, susceptibility to, 1 (HSCR1). Also called: RET-Related Hirschsprung Disease. Identifiers: Orphanet 388, MedGen C3888239, MONDO:0007723, OMIM 142623.

Allele frequency attached by ClinVar (database versions not stated): TOPMed below 0.00001; gnomAD 0.00001.
gnomAD v4.1: 1 of 1,614,034 alleles (0.000062%); highest among the groups gnomAD compares: African/African-American, 0.0013%; no homozygotes.

Submissions (5):

Ambry Genetics
Classification: Uncertain significance for Hereditary cancer-predisposing syndrome. Last evaluated: 2024-07-08. Review status: criteria provided, single submitter. Criteria: Ambry Variant Classification Scheme 2023. Collection method: clinical testing. Allele origin: germline.
Comment: The p.V939I variant (also known as c.2815G>A), located in coding exon 17 of the RET gene, results from a G to A substitution at nucleotide position 2815. The valine at codon 939 is replaced by isoleucine, an amino acid with highly similar properties. This amino acid position is highly conserved in available vertebrate species. In addition, the in silico prediction for this alteration is inconclusive. Based on the available evidence, the clinical significance of this variant remains unclear.

Baylor Genetics
Classification: Uncertain significance for Hirschsprung disease, susceptibility to, 1. Last evaluated: 2024-03-17. Review status: criteria provided, single submitter. Criteria: ACMG Guidelines, 2015. Collection method: clinical testing. Allele origin: unknown.

All of Us Research Program, National Institutes of Health
Classification: Uncertain significance for Multiple endocrine neoplasia, type 2. Last evaluated: 2023-10-27. Review status: criteria provided, single submitter. Criteria: ACMG Guidelines, 2015. Collection method: clinical testing. Allele origin: germline. Inheritance: Autosomal dominant inheritance. Observed: 1 variant allele, 1 heterozygote.
Comment: This missense variant replaces valine with isoleucine at codon 939 of the RET protein. Computational prediction is inconclusive regarding the impact of this variant on protein structure and function (internally defined REVEL score threshold 0.5 < inconclusive < 0.7, PMID: 27666373). To our knowledge, functional studies have not been reported for this variant. This variant has not been reported in individuals affected with hereditary cancer in the literature. This variant has not been identified in the general population by the Genome Aggregation Database (gnomAD). The available evidence is insufficient to determine the role of this variant in disease conclusively. Therefore, this variant is classified as a Variant of Uncertain Significance.

This study involves interpretation of variants in research participants for the purpose of population health screening. Participant phenotype was not available at the time of variant classification. Additional details can be found in publication PMID: 35346344, PMCID: PMC8962531

Labcorp Genetics (formerly Invitae), Labcorp
Classification: Uncertain significance for Multiple endocrine neoplasia, type 2. Last evaluated: 2022-08-31. Review status: criteria provided, single submitter. Criteria: Invitae Variant Classification Sherloc (09022015). Collection method: clinical testing. Allele origin: germline.
Comment: In summary, the available evidence is currently insufficient to determine the role of this variant in disease. Therefore, it has been classified as a Variant of Uncertain Significance. Algorithms developed to predict the effect of missense changes on protein structure and function are either unavailable or do not agree on the potential impact of this missense change (SIFT: "Deleterious"; PolyPhen-2: "Possibly Damaging"; Align-GVGD: "Class C0"). ClinVar contains an entry for this variant (Variation ID: 486347). This variant has not been reported in the literature in individuals affected with RET-related conditions. This variant is not present in population databases (gnomAD no frequency). This sequence change replaces valine, which is neutral and non-polar, with isoleucine, which is neutral and non-polar, at codon 939 of the RET protein (p.Val939Ile).

PreventionGenetics, part of Exact Sciences
Classification: Uncertain significance for RET-related condition. Last evaluated: 2024-02-28. Review status: no assertion criteria provided. Collection method: clinical testing. Allele origin: germline. Not counted in ClinVar's aggregate classification.
Comment: The RET c.2815G>A variant is predicted to result in the amino acid substitution p.Val939Ile. To our knowledge, this variant has not been reported in the literature or in a large population database, indicating this variant is rare. This variant is interpreted as uncertain in ClinVar. At this time, the clinical significance of this variant is uncertain due to the absence of conclusive functional and genetic evidence.

NM_020975.6(RET):c.2815G>A (p.Val939Ile)

Gene: RET (ret proto-oncogene; plus strand). Cytogenetic location: 10q11.21.
Variant type: single nucleotide variant.
Coding change: c.2815G>A on transcript NM_020975.6 (MANE Select); coding-DNA position 2815, G replaced by A.
Protein change: p.Val939Ile; replaces valine 939 with isoleucine.
Molecular consequence: missense variant.
Genome position (GRCh38, 1-based): chr10:43,123,684, G>A. VCF-style: chr10-43123684-G-A. GRCh37 (hg19) VCF-style: chr10-43619132-G-A.
Other names: c.2815G>A, p.Val939Ile (NM_000323.2, NM_001406743.1, NM_001406744.1 and 4 more transcripts); c.2053G>A, p.Val685Ile (NM_001355216.2); c.2686G>A, p.Val896Ile (NM_001406761.1, NM_001406762.1, NM_001406764.1); c.2680G>A, p.Val894Ile (NM_001406763.1, NM_001406765.1); c.2527G>A, p.Val843Ile (NM_001406766.1, NM_001406767.1, NM_001406770.1); c.2551G>A, p.Val851Ile (NM_001406768.1); c.2419G>A, p.Val807Ile (NM_001406769.1, NM_001406772.1); c.2377G>A, p.Val793Ile (NM_001406771.1, NM_001406773.1); and 10 more; short protein forms V939I, V685I, V544I, V597I, V600I, V640I, V456I, V595I.
Identifiers: ClinVar variation 486347 (VCV000486347.19), dbSNP rs1554819950, ClinGen allele CA376557741.